The following is an entry in ClinVar:

NM_006922.4(SCN3A):c.5627A>T (p.Asp1876Val)

Gene: SCN3A (sodium voltage-gated channel alpha subunit 3; minus strand). Cytogenetic location: 2q24.3.
Variant type: single nucleotide variant.
Coding change: c.5627A>T on transcript NM_006922.4 (MANE Select); coding-DNA position 5627, A replaced by T.
Protein change: p.Asp1876Val; replaces aspartic acid 1876 with valine.
Molecular consequence: missense variant.
Genome position (GRCh38, 1-based): chr2:165,090,526, T>A on the plus strand (A>T on the coding strand, the complement: SCN3A is on the minus strand). VCF-style: chr2-165090526-T-A. GRCh37 (hg19) VCF-style: chr2-165947036-T-A.
Other names: c.5480A>T, p.Asp1827Val (NM_001081676.2, NM_001081677.2); short protein forms D1827V, D1876V.
Identifiers: ClinVar variation 1706172 (VCV001706172.2), dbSNP rs1574087624, ClinGen allele CA349010779.

ClinVar aggregate classification (germline): Uncertain significance (1 of 4 stars; one submission).

Submission:

GeneDx
Classification: Uncertain significance. Last evaluated: 2022-09-12. Review status: criteria provided, single submitter. Criteria: GeneDx Variant Classification Process June 2021. Collection method: clinical testing. Allele origin: germline. Affected: yes.
Comment: Not observed at significant frequency in large population cohorts (gnomAD); In silico analysis supports that this missense variant has a deleterious effect on protein structure/function; Has not been previously published as pathogenic or benign to our knowledge